The following is an entry in ClinVar:

NM_138477.4(CDAN1):c.2579CCT[1] (p.Ser861del)

Gene: CDAN1 (codanin 1; minus strand). Cytogenetic location: 15q15.2.
Variant type: Microsatellite.
Coding change: c.2579CCT[1] on transcript NM_138477.4 (MANE Select); one copy of the 3-base unit CCT starting at c.2579; the reference has two copies in a row; one copy, 3 bases deleted.
Protein change: p.Ser861del; deletes serine 861.
Genome position (GRCh38, 1-based): chr15:42,729,084-42,729,086, AGG deleted on the plus strand (CCT on the coding strand, the reverse complement: CDAN1 is on the minus strand); deleting any 3 consecutive bases within chr15:42,729,084-42,729,089 gives the same sequence; the position shown is the placement nearest the transcript's 3' end. VCF-style (leftmost placement, unchanged base first): chr15-42729083-AAGG-A. GRCh37 (hg19) VCF-style: chr15-43021281-AAGG-A.
Other names: short protein forms S861del.
Identifiers: ClinVar variation 3375593 (VCV003375593.1).

ClinVar aggregate classification (germline): Uncertain significance (1 of 4 stars; one submission).

Submission:

GeneDx
Classification: Uncertain significance. Last evaluated: 2024-05-08. Review status: criteria provided, single submitter. Criteria: GeneDx Variant Classification Process June 2021. Collection method: clinical testing. Allele origin: germline. Affected: yes.
Comment: Not observed at significant frequency in large population cohorts (gnomAD); In-frame deletion of 1 amino acids in a non-repeat region; In silico analysis supports a deleterious effect on protein structure/function; Has not been previously published as pathogenic or benign to our knowledge